The following is an entry in ClinVar:

NM_004360.5(CDH1):c.1363G>A (p.Ala455Thr)

Gene: CDH1 (cadherin 1; plus strand). Cytogenetic location: 16q22.1.
Variant type: single nucleotide variant.
Coding change: c.1363G>A on transcript NM_004360.5 (MANE Select); coding-DNA position 1363, G replaced by A.
Protein change: p.Ala455Thr; replaces alanine 455 with threonine.
Molecular consequence: missense variant. On other transcripts: 5 prime UTR variant (2).
Genome position (GRCh38, 1-based): chr16:68,815,557, G>A. VCF-style: chr16-68815557-G-A. GRCh37 (hg19) VCF-style: chr16-68849460-G-A.
Other names: NM_004360.5(CDH1):c.1363G>A; p.Ala455Thr; c.1363G>A (LRG_301t1); c.1180G>A, p.Ala394Thr (NM_001317184.2); c.-186G>A (NM_001317185.2); c.-457G>A (NM_001317186.2); short protein forms A455T, A394T.
Identifiers: ClinVar variation 481700 (VCV000481700.20), dbSNP rs876659762, ClinGen allele CA396462787.
Genomic context (GRCh38, chr16:68,815,557, plus strand): 5'-ATTGTTTCTGCTCTCTAGGGCTTGGATTTTGAGGCCAAGCAGCAGTACATTCTACACGTA[G>A]CAGTGACGAATGTGGTACCTTTTGAGGTCTCTCTCACCACCTCCACAGCCACCGTCACCG-3'
Protein context (NP_004351.1, residues 445-465): EAKQQYILHV[Ala455Thr]VTNVVPFEVS

ClinVar aggregate classification (germline): Uncertain significance. Review status: reviewed by expert panel (3 of 4 stars). 6 submissions from 6 submitters: Uncertain significance (1). 5 of the submissions do not count toward it. Last evaluated 2023-08-02.

Conditions:
CDH1-related diffuse gastric and lobular breast cancer syndrome. Also called: CDH1-related diffuse gastric and lobular breast cancer. Identifiers: MedGen CN311521, MONDO:0100488.
Hereditary cancer-predisposing syndrome. Also called: Hereditary neoplastic syndrome; Neoplastic Syndromes, Hereditary; Tumor predisposition; Hereditary Cancer Syndrome. Identifiers: Orphanet 140162, MedGen C0027672, MeSH D009386, MONDO:0015356.
Hereditary diffuse gastric adenocarcinoma (HDGC). Also called: DIFFUSE GASTRIC AND LOBULAR BREAST CANCER SYNDROME. Identifiers: Orphanet 26106, MedGen C1708349, MONDO:0007648, OMIM 137215.

Submissions (6):

Clingen Gastric Cancer Variant Curation Expert Panel
Classification: Uncertain significance for CDH1-related diffuse gastric and lobular breast cancer syndrome. Last evaluated: 2023-08-02. Review status: reviewed by expert panel. Criteria: ClinGen CDH1 ACMG Specifications V3.1. Collection method: curation. Allele origin: germline. Inheritance: Autosomal dominant inheritance.
Comment: The c.1363G>A (NM_004360.5) variant in CDH1 is a missense variant predicted to predicted to cause substitution of Ala by Thr at amino acid 455 (p.Ala455Thr). This variant was observed in more than three heterozygous individuals with no DGC, LBC or SRC tumours and whose families do not suggest HDGC (BS2_Supporting; Invitae, Ambry, GeneDx). This variant is absent from gnomAD 2.1.1 (PM2_Spporting). In summary, this variant is classified as uncertain significance for DGLBCS based on the ACMG/AMP criteria applied, as specified by the ClinGen CDH1 VCEP: PM2_Supporting, BS2_supporting. (CDH1 VCEP specifications version 3.1; 04/24/2023)

Labcorp Genetics (formerly Invitae), Labcorp
Classification: Uncertain significance for Hereditary diffuse gastric adenocarcinoma. Last evaluated: 2026-01-06. Review status: criteria provided, single submitter. Criteria: Invitae Variant Classification Sherloc (09022015). Collection method: clinical testing. Allele origin: germline. Not counted in ClinVar's aggregate classification.
Comment: This sequence change replaces alanine, which is neutral and non-polar, with threonine, which is neutral and polar, at codon 455 of the CDH1 protein (p.Ala455Thr). This variant is not present in population databases (gnomAD no frequency). This variant has not been reported in the literature in individuals affected with CDH1-related conditions. ClinVar contains an entry for this variant (Variation ID: 481700). An algorithm developed to predict the effect of missense changes on protein structure and function outputs the following: PolyPhen-2: "Benign". The threonine amino acid residue is found in multiple mammalian species, which suggests that this missense change does not adversely affect protein function. In summary, the available evidence is currently insufficient to determine the role of this variant in disease. Therefore, it has been classified as a Variant of Uncertain Significance.

Quest Diagnostics Nichols Institute San Juan Capistrano
Classification: Uncertain significance. Last evaluated: 2025-05-09. Review status: criteria provided, single submitter. Criteria: Quest Diagnostics criteria. Collection method: clinical testing. Allele origin: unknown. Not counted in ClinVar's aggregate classification.
Comment: The CDH1 c.1363G>A (p.Ala455Thr) variant has not been reported in individuals with CDH1-related conditions in the published literature. It also has not been reported in large, multi-ethnic general populations (Genome Aggregation Database). Analysis of this variant using bioinformatics tools for the prediction of the effect of amino acid changes on protein structure and function yielded predictions that this variant is benign. Based on the available information, we are unable to determine the clinical significance of this variant.

Center for Genomic Medicine, Rigshospitalet, Copenhagen University Hospital
Classification: Uncertain significance. Last evaluated: 2025-03-04. Review status: criteria provided, single submitter. Criteria: ACMG Guidelines, 2015. Collection method: clinical testing. Allele origin: germline. Not counted in ClinVar's aggregate classification.

Color Diagnostics, LLC DBA Color Health
Classification: Uncertain significance for Hereditary cancer-predisposing syndrome. Last evaluated: 2023-12-04. Review status: criteria provided, single submitter. Criteria: ACMG Guidelines, 2015. Collection method: clinical testing. Allele origin: germline. Not counted in ClinVar's aggregate classification.
Comment: This missense variant replaces alanine with threonine at codon 455 of the CDH1 protein. To our knowledge, functional studies have not been reported for this variant, however threonine is found in multiple mammalian species, suggesting that this missense change does not affect protein function. This variant has not been reported in individuals affected with hereditary cancer in the literature. This variant has not been identified in the general population by the Genome Aggregation Database (gnomAD). The available evidence is insufficient to determine the role of this variant in disease conclusively. Therefore, this variant is classified as a Variant of Uncertain Significance.

Ambry Genetics
Classification: Likely benign for Hereditary cancer-predisposing syndrome. Last evaluated: 2016-11-16. Review status: criteria provided, single submitter. Criteria: Ambry Variant Classification Scheme 2023. Collection method: clinical testing. Allele origin: germline. Not counted in ClinVar's aggregate classification.